The following is an entry in ClinVar:

NM_005591.4(MRE11):c.839T>C (p.Val280Ala)

Gene: MRE11 (MRE11 double strand break repair nuclease; minus strand). Cytogenetic location: 11q21.
Variant type: single nucleotide variant.
Coding change: c.839T>C on transcript NM_005591.4 (MANE Select); coding-DNA position 839, T replaced by C.
Protein change: p.Val280Ala; replaces valine 280 with alanine.
Molecular consequence: missense variant.
Genome position (GRCh38, 1-based): chr11:94,471,580, A>G on the plus strand (T>C on the coding strand, the complement: MRE11 is on the minus strand). VCF-style: chr11-94471580-A-G. GRCh37 (hg19) VCF-style: chr11-94204746-A-G.
Other names: c.839T>C, p.Val280Ala (NM_001330347.2, NM_001440470.1, NM_001440473.1 and 18 more transcripts); c.764T>C, p.Val255Ala (NM_001440471.1, NM_001440472.1, NM_001440479.1); c.494T>C, p.Val165Ala (NM_001440482.1, NM_001440483.1, NM_001440484.1); c.371T>C, p.Val124Ala (NM_001440485.1, NM_001440486.1, NM_001440487.1); short protein forms V280A, V255A, V124A, V165A.
Identifiers: ClinVar variation 4824446 (VCV004824446.1).

ClinVar aggregate classification (germline): Uncertain significance (1 of 4 stars; one submission).

Conditions:
Hereditary cancer-predisposing syndrome. Also called: Neoplastic Syndromes, Hereditary; Hereditary neoplastic syndrome; Tumor predisposition; Hereditary Cancer Syndrome. Identifiers: Orphanet 140162, MedGen C0027672, MeSH D009386, MONDO:0015356.

Submission:

Ambry Genetics
Classification: Uncertain significance for Hereditary cancer-predisposing syndrome. Last evaluated: 2026-02-15. Review status: criteria provided, single submitter. Criteria: Ambry Variant Classification Scheme 2023. Collection method: clinical testing. Allele origin: germline.
Comment: The p.V280A variant (also known as c.839T>C), located in coding exon 7 of the MRE11A gene, results from a T to C substitution at nucleotide position 839. The valine at codon 280 is replaced by alanine, an amino acid with similar properties. This amino acid position is conserved. In addition, this alteration is predicted to be tolerated by in silico analysis. Based on the available evidence, the clinical significance of this variant remains unclear.